The following is an entry in ClinVar:

ClinVar aggregate classification (germline): Uncertain significance (1 of 4 stars; one submission).

Allele frequency attached by ClinVar (database versions not stated): TOPMed below 0.00001; gnomAD 0.00001; ExAC 0.00006.

Submission:

Labcorp Genetics (formerly Invitae), Labcorp
Classification: Uncertain significance. Last evaluated: 2023-01-23. Review status: criteria provided, single submitter. Criteria: Invitae Variant Classification Sherloc (09022015). Collection method: clinical testing. Allele origin: germline.
Comment: In summary, the available evidence is currently insufficient to determine the role of this variant in disease. Therefore, it has been classified as a Variant of Uncertain Significance. Algorithms developed to predict the effect of missense changes on protein structure and function (SIFT, PolyPhen-2, Align-GVGD) all suggest that this variant is likely to be tolerated. This variant has not been reported in the literature in individuals affected with NFATC1-related conditions. The frequency data for this variant in the population databases is considered unreliable, as metrics indicate poor data quality at this position in the gnomAD database. This sequence change replaces alanine, which is neutral and non-polar, with valine, which is neutral and non-polar, at codon 30 of the NFATC1 protein (p.Ala30Val).

NM_001278669.2(NFATC1):c.89C>T (p.Ala30Val)

Gene: NFATC1 (nuclear factor of activated T cells 1; plus strand). Cytogenetic location: 18q23.
Variant type: single nucleotide variant.
Coding change: c.89C>T on transcript NM_001278669.2 (MANE Select); coding-DNA position 89, C replaced by T.
Protein change: p.Ala30Val; replaces alanine 30 with valine.
Molecular consequence: missense variant. On other transcripts: 5 prime UTR variant (1).
Genome position (GRCh38, 1-based): chr18:79,396,313, C>T. VCF-style: chr18-79396313-C-T. GRCh37 (hg19) VCF-style: chr18-77156313-C-T.
Other names: c.89C>T, p.Ala30Val (NM_001278670.2, NM_006162.5, NM_172390.3); c.-229C>T (NM_172388.3); short protein forms A30V.
Identifiers: ClinVar variation 3023049 (VCV003023049.3), dbSNP rs777561014, ClinGen allele CA9008651.